The following is an entry in ClinVar:

NM_145868.2(ANXA11):c.962C>G (p.Thr321Ser)

Gene: ANXA11 (annexin A11; minus strand). Cytogenetic location: 10q22.3.
Variant type: single nucleotide variant.
Coding change: c.962C>G on transcript NM_145868.2 (MANE Select); coding-DNA position 962, C replaced by G.
Protein change: p.Thr321Ser; replaces threonine 321 with serine.
Molecular consequence: missense variant.
Genome position (GRCh38, 1-based): chr10:80,163,601, G>C on the plus strand (C>G on the coding strand, the complement: ANXA11 is on the minus strand). VCF-style: chr10-80163601-G-C. GRCh37 (hg19) VCF-style: chr10-81923357-G-C.
Other names: c.962C>G, p.Thr321Ser (NM_001157.3, NM_001278407.2, NM_001278408.2 and 1 more transcripts); c.863C>G, p.Thr288Ser (NM_001278409.2); short protein forms T288S, T321S.
Identifiers: ClinVar variation 3728053 (VCV003728053.2).
Genomic context (GRCh38, chr10:80,163,601, plus strand): 5'-AGAGAGATGAGGAGCCGCTGGAAGTGCCCTGATGTGTCGCTTCGAATGGCCTCTTCCAGG[G>C]TCTTTTTGAATTCTGAAAGGGAGAAGCAAGGAAGGTCCATCCTGTAGCTCTCTTTATGGA-3'
Protein context (NP_665875.1, residues 311-331): NRAYKAEFKK[Thr321Ser]LEEAIRSDTS

ClinVar aggregate classification (germline): Uncertain significance (1 of 4 stars; one submission).

Submission:

Labcorp Genetics (formerly Invitae), Labcorp
Classification: Uncertain significance. Last evaluated: 2024-12-24. Review status: criteria provided, single submitter. Criteria: Invitae Variant Classification Sherloc (09022015). Collection method: clinical testing. Allele origin: germline.
Comment: This sequence change replaces threonine, which is neutral and polar, with serine, which is neutral and polar, at codon 321 of the ANXA11 protein (p.Thr321Ser). This variant is not present in population databases (gnomAD no frequency). This variant has not been reported in the literature in individuals affected with ANXA11-related conditions. An algorithm developed to predict the effect of missense changes on protein structure and function outputs the following: PolyPhen-2: "Benign". The serine amino acid residue is found in multiple mammalian species, which suggests that this missense change does not adversely affect protein function. In summary, the available evidence is currently insufficient to determine the role of this variant in disease. Therefore, it has been classified as a Variant of Uncertain Significance.